The following is an entry in ClinVar:

ClinVar aggregate classification (germline): Likely benign (0 of 4 stars; one submission).

Conditions:
MARK3-related disorder. Also called: MARK3-related condition.

Allele frequency attached by ClinVar (database versions not stated): TOPMed 0.00002; gnomAD 0.00003; gnomAD exomes 0.00003.
gnomAD v4.1: 45 of 1,612,090 alleles (0.0028%); highest among the groups gnomAD compares: South Asian, 0.0055%; no homozygotes.

Submission:

PreventionGenetics, part of Exact Sciences
Classification: Likely benign for MARK3-related condition. Last evaluated: 2019-12-19. Review status: no assertion criteria provided. Collection method: clinical testing. Allele origin: germline.
Comment: This variant is classified as likely benign based on ACMG/AMP sequence variant interpretation guidelines (Richards et al. 2015 PMID: 25741868, with internal and published modifications).

NM_001128918.3(MARK3):c.1896C>T (p.Asn632=)

Gene: MARK3 (microtubule affinity regulating kinase 3; plus strand). Cytogenetic location: 14q32.33.
Variant type: single nucleotide variant.
Coding change: c.1896C>T on transcript NM_001128918.3 (MANE Select); coding-DNA position 1896, C replaced by T.
Protein change: p.Asn632=; no amino-acid change (asparagine 632 retained).
Molecular consequence: synonymous variant. On other transcripts: intron variant (4).
Genome position (GRCh38, 1-based): chr14:103,500,180, C>T. VCF-style: chr14-103500180-C-T. GRCh37 (hg19) VCF-style: chr14-103966517-C-T.
Other names: c.1869C>T, p.Asn623= (NM_001128919.3); c.1815C>T, p.Asn605= (NM_001411055.1); c.1845-2702C>T (NM_002376.7); c.1797-2702C>T (NM_001128920.3); c.1634+1652C>T (NM_001128921.3); c.1679+1652C>T (NM_001411056.1).
Identifiers: ClinVar variation 3048273 (VCV003048273.2), dbSNP rs902962601, ClinGen allele CA267229037.